The following is an entry in ClinVar:

ClinVar aggregate classification (germline): Uncertain significance (1 of 4 stars; one submission).

gnomAD v4.1: 1 of 1,614,180 alleles (0.000062%); highest among the groups gnomAD compares: Non-Finnish European, 0.000085%; no homozygotes.

Submission:

GeneDx
Classification: Uncertain significance. Last evaluated: 2023-08-10. Review status: criteria provided, single submitter. Criteria: GeneDx Variant Classification Process June 2021. Collection method: clinical testing. Allele origin: germline. Affected: yes.
Comment: Not observed at significant frequency in large population cohorts (gnomAD); Nonsense variant predicted to result in protein truncation or nonsense mediated decay in a gene or region of a gene for which loss of function is not a well-established mechanism of disease; Has not been previously published as pathogenic or benign to our knowledge; Variants in candidate genes are classified as variants of uncertain significance in accordance with ACMG guidelines (Richards et al., 2015)

NM_001365480.1(CCDC88A):c.5449C>T (p.Arg1817Ter)

Gene: CCDC88A (coiled-coil domain containing 88A; minus strand). Cytogenetic location: 2p16.1.
Variant type: single nucleotide variant.
Coding change: c.5449C>T on transcript NM_001365480.1 (MANE Select); coding-DNA position 5449, C replaced by T.
Protein change: p.Arg1817Ter; replaces arginine 1817 with a stop codon.
Molecular consequence: nonsense.
Genome position (GRCh38, 1-based): chr2:55,295,699, G>A on the plus strand (C>T on the coding strand, the complement: CCDC88A is on the minus strand). VCF-style: chr2-55295699-G-A. GRCh37 (hg19) VCF-style: chr2-55522835-G-A.
Other names: c.5446C>T, p.Arg1816Ter (NM_001135597.2); c.5224C>T, p.Arg1742Ter (NM_001254943.2); c.5365C>T, p.Arg1789Ter (NM_018084.5); short protein forms R1742*, R1789*, R1816*, R1817*.
Identifiers: ClinVar variation 3361928 (VCV003361928.1).